The following is an entry in ClinVar:

NM_000321.3(RB1):c.2179G>T (p.Ala727Ser)

Gene: RB1 (RB transcriptional corepressor 1; plus strand). Cytogenetic location: 13q14.2.
Variant type: single nucleotide variant.
Coding change: c.2179G>T on transcript NM_000321.3 (MANE Select); coding-DNA position 2179, G replaced by T.
Protein change: p.Ala727Ser; replaces alanine 727 with serine.
Molecular consequence: missense variant.
Genome position (GRCh38, 1-based): chr13:48,463,803, G>T. VCF-style: chr13-48463803-G-T. GRCh37 (hg19) VCF-style: chr13-49037939-G-T.
Other names: c.2179G>T, p.Ala727Ser (NM_001407165.1); short protein forms A727S.
Identifiers: ClinVar variation 2585748 (VCV002585748.2), dbSNP rs2138342542, ClinGen allele CA388167171.

ClinVar aggregate classification (germline): Uncertain significance (1 of 4 stars; one submission).

Conditions:
Hereditary cancer-predisposing syndrome. Also called: Hereditary neoplastic syndrome; Tumor predisposition; Hereditary Cancer Syndrome; Neoplastic Syndromes, Hereditary. Identifiers: Orphanet 140162, MedGen C0027672, MeSH D009386, MONDO:0015356.

Submission:

Ambry Genetics
Classification: Uncertain significance for Hereditary cancer-predisposing syndrome. Last evaluated: 2023-09-06. Review status: criteria provided, single submitter. Criteria: Ambry Variant Classification Scheme 2023. Collection method: clinical testing. Allele origin: germline.
Comment: The p.A727S variant (also known as c.2179G>T), located in coding exon 21 of the RB1 gene, results from a G to T substitution at nucleotide position 2179. The alanine at codon 727 is replaced by serine, an amino acid with similar properties. This amino acid position is conserved. In addition, the in silico prediction for this alteration is inconclusive. Since supporting evidence is limited at this time, the clinical significance of this alteration remains unclear.